The following is an entry in ClinVar:

NM_030930.4(UNC93B1):c.998A>G (p.Lys333Arg)

Gene: UNC93B1 (unc-93B1 regulator of TLR signaling; minus strand). Cytogenetic location: 11q13.2.
Variant type: single nucleotide variant.
Coding change: c.998A>G on transcript NM_030930.4 (MANE Select); coding-DNA position 998, A replaced by G.
Protein change: p.Lys333Arg; replaces lysine 333 with arginine.
Molecular consequence: missense variant.
Genome position (GRCh38, 1-based): chr11:67,996,693, T>C on the plus strand (A>G on the coding strand, the complement: UNC93B1 is on the minus strand). VCF-style: chr11-67996693-T-C. GRCh37 (hg19) VCF-style: chr11-67764164-T-C.
Other names: short protein forms K333R.
Identifiers: ClinVar variation 651185 (VCV000651185.7), dbSNP rs763133366, ClinGen allele CA6145457.

ClinVar aggregate classification (germline): Uncertain significance (1 of 4 stars; one submission).

Conditions:
Encephalopathy, acute, infection-induced (herpes-specific), susceptibility to, 1. Also called: Herpes simplex encephalitis, susceptibility to, 1. Identifiers: Orphanet 1930, MedGen C2750180, MONDO:0024563, OMIM 610551.

Allele frequency attached by ClinVar (database versions not stated): TOPMed 0.00002; gnomAD exomes 0.00001 and 0.00003; 1000 Genomes Project 30x 0.00031; gnomAD 0.00001; ExAC 0.00005.
gnomAD v4.1: 9 of 1,551,952 alleles (0.00058%); highest among the groups gnomAD compares: Admixed American, 0.016%; no homozygotes.

Submission:

Labcorp Genetics (formerly Invitae), Labcorp
Classification: Uncertain significance for Encephalopathy, acute, infection-induced (herpes-specific), susceptibility to, 1. Last evaluated: 2023-12-21. Review status: criteria provided, single submitter. Criteria: Invitae Variant Classification Sherloc (09022015). Collection method: clinical testing. Allele origin: germline.
Comment: This sequence change replaces lysine, which is basic and polar, with arginine, which is basic and polar, at codon 333 of the UNC93B1 protein (p.Lys333Arg). This variant is present in population databases (rs763133366, gnomAD 0.02%). This variant has not been reported in the literature in individuals affected with UNC93B1-related conditions. ClinVar contains an entry for this variant (Variation ID: 651185). Experimental studies and prediction algorithms are not available or were not evaluated, and the functional significance of this variant is currently unknown. In summary, the available evidence is currently insufficient to determine the role of this variant in disease. Therefore, it has been classified as a Variant of Uncertain Significance.